The following is an entry in ClinVar:

ClinVar aggregate classification (germline): Benign/Likely benign. Review status: criteria provided, multiple submitters, no conflicts (2 of 4 stars). 4 submissions from 4 submitters: Benign (1); Likely benign (3). Last evaluated 2024-05-30.

Conditions:
Ataxia-telangiectasia syndrome (AT). Also called: LOUIS-BAR SYNDROME; Cerebello-oculocutaneous telangiectasia; Immunodeficiency with ataxia telangiectasia; Ataxia telangiectasia (A-T); Ataxia-telangiectasia, complementation group D; AT, COMPLEMENTATION GROUP C. Identifiers: Orphanet 100, MedGen C0004135, MONDO:0008840, OMIM 208900.
Familial cancer of breast. Also called: BREAST CANCER, FAMILIAL; Hereditary breast cancer; hereditary breast carcinoma. Identifiers: Orphanet 227535, MedGen C0346153, MONDO:0016419, OMIM 114480. Disease mechanism: loss of function.
Hereditary cancer-predisposing syndrome. Also called: Tumor predisposition; Neoplastic Syndromes, Hereditary; Hereditary Cancer Syndrome; Hereditary neoplastic syndrome. Identifiers: Orphanet 140162, MedGen C0027672, MeSH D009386, MONDO:0015356.

Allele frequency attached by ClinVar (database versions not stated): TOPMed below 0.00001; ExAC 0.00001; gnomAD 0.00001.
gnomAD v4.1: 3 of 1,610,666 alleles (0.00019%); highest among the groups gnomAD compares: South Asian, 0.0022%; no homozygotes.

Submissions (4):

Myriad Genetics, Inc.
Classification: Benign for Familial cancer of breast. Last evaluated: 2024-05-30. Review status: criteria provided, single submitter. Criteria: Myriad Autosomal Dominant, Autosomal Recessive and X-Linked Classification Criteria (2023). Collection method: clinical testing. Allele origin: unknown.
Comment: This variant is considered benign. This variant is a silent/synonymous amino acid change and it is not expected to impact splicing.

Labcorp Genetics (formerly Invitae), Labcorp
Classification: Likely benign for Ataxia-telangiectasia syndrome. Last evaluated: 2024-02-04. Review status: criteria provided, single submitter. Criteria: Invitae Variant Classification Sherloc (09022015). Collection method: clinical testing. Allele origin: germline.

Ambry Genetics
Classification: Likely benign for Hereditary cancer-predisposing syndrome. Last evaluated: 2023-10-06. Review status: criteria provided, single submitter. Criteria: Ambry Variant Classification Scheme 2023. Collection method: clinical testing. Allele origin: germline.

Color Diagnostics, LLC DBA Color Health
Classification: Likely benign for Hereditary cancer-predisposing syndrome. Last evaluated: 2022-10-10. Review status: criteria provided, single submitter. Criteria: ACMG Guidelines, 2015. Collection method: clinical testing. Allele origin: germline.

NM_000051.4(ATM):c.6093T>G (p.Thr2031=)

Genes: ATM (ATM serine/threonine kinase; plus strand), C11orf65 (chromosome 11 open reading frame 65; minus strand). Cytogenetic location: 11q22.3.
Variant type: single nucleotide variant.
Coding change: c.6093T>G on transcript NM_000051.4 (MANE Select); coding-DNA position 6093, T replaced by G.
Protein change: p.Thr2031=; no amino-acid change (threonine 2031 retained).
Molecular consequence: synonymous variant. On other transcripts: intron variant (2).
Genome position (GRCh38, 1-based): chr11:108,315,909, T>G. VCF-style: chr11-108315909-T-G. GRCh37 (hg19) VCF-style: chr11-108186636-T-G.
Other names: c.6093T>G, p.Thr2031= (NM_001351834.2); c.641-6838A>C (NM_001330368.2); c.*39-6838A>C (NM_001351110.2).
Identifiers: ClinVar variation 2714307 (VCV002714307.5), dbSNP rs771945366, ClinGen allele CA6265844.